The following is an entry in ClinVar:

NM_000277.3(PAH):c.666T>G (p.Asp222Glu)

Gene: PAH (phenylalanine hydroxylase; minus strand). Cytogenetic location: 12q23.2.
Variant type: single nucleotide variant.
Coding change: c.666T>G on transcript NM_000277.3 (MANE Select); coding-DNA position 666, T replaced by G.
Protein change: p.Asp222Glu; replaces aspartic acid 222 with glutamic acid.
Molecular consequence: missense variant.
Genome position (GRCh38, 1-based): chr12:102,855,176, A>C on the plus strand (T>G on the coding strand, the complement: PAH is on the minus strand). VCF-style: chr12-102855176-A-C. GRCh37 (hg19) VCF-style: chr12-103248954-A-C.
Other names: c.666T>G, p.Asp222Glu (NM_001354304.2); short protein forms D222E.
Identifiers: ClinVar variation 1496717 (VCV001496717.5), dbSNP rs1263259211, ClinGen allele CA386296600.

ClinVar aggregate classification (germline): Likely pathogenic (1 of 4 stars; one submission).

Conditions:
Phenylketonuria (PKU). Also called: OLIGOPHRENIA PHENYLPYRUVICA; Phenylketonurias; Phenylketonuria (PKU); FOLLING DISEASE. Identifiers: Orphanet 716, MedGen C0031485, MONDO:0009861, OMIM 261600. Disease mechanism: loss of function.

Allele frequency attached by ClinVar (database versions not stated): TOPMed 0.00001.

Submission:

Labcorp Genetics (formerly Invitae), Labcorp
Classification: Likely pathogenic for Phenylketonuria. Last evaluated: 2022-02-05. Review status: criteria provided, single submitter. Criteria: Invitae Variant Classification Sherloc (09022015). Collection method: clinical testing. Allele origin: germline.
Comment: This sequence change replaces aspartic acid, which is acidic and polar, with glutamic acid, which is acidic and polar, at codon 222 of the PAH protein (p.Asp222Glu). This variant is not present in population databases (gnomAD no frequency). This variant has not been reported in the literature in individuals affected with PAH-related conditions. Advanced modeling of protein sequence and biophysical properties (such as structural, functional, and spatial information, amino acid conservation, physicochemical variation, residue mobility, and thermodynamic stability) performed at Invitae indicates that this missense variant is expected to disrupt PAH protein function. This variant disrupts the p.Asp222 amino acid residue in PAH. Other variant(s) that disrupt this residue have been determined to be pathogenic (PMID: 9429153, 10598814). This suggests that this residue is clinically significant, and that variants that disrupt this residue are likely to be disease-causing. In summary, the currently available evidence indicates that the variant is pathogenic, but additional data are needed to prove that conclusively. Therefore, this variant has been classified as Likely Pathogenic.

Literature cited by the submitters: PubMed 9429153; PubMed 10598814.